The following is an entry in ClinVar:

ClinVar aggregate classification (germline): Uncertain significance. Review status: criteria provided, multiple submitters, no conflicts (2 of 4 stars). 2 submissions from 2 submitters: Uncertain significance (2). Last evaluated 2025-03-05.

gnomAD v4.1: 6 of 1,613,788 alleles (0.00037%); highest among the groups gnomAD compares: East Asian, 0.0022%; no homozygotes.

Submissions (2):

Labcorp Genetics (formerly Invitae), Labcorp
Classification: Uncertain significance. Last evaluated: 2025-03-05. Review status: criteria provided, single submitter. Criteria: Invitae Variant Classification Sherloc (09022015). Collection method: clinical testing. Allele origin: germline.
Comment: This sequence change replaces arginine, which is basic and polar, with cysteine, which is neutral and slightly polar, at codon 1281 of the TNS2 protein (p.Arg1281Cys). This variant is not present in population databases (gnomAD no frequency). This variant has not been reported in the literature in individuals affected with TNS2-related conditions. An algorithm developed to predict the effect of missense changes on protein structure and function (PolyPhen-2) suggests that this variant is likely to be disruptive. Algorithms developed to predict the effect of sequence changes on RNA splicing suggest that this variant may disrupt the consensus splice site. In summary, the available evidence is currently insufficient to determine the role of this variant in disease. Therefore, it has been classified as a Variant of Uncertain Significance.

Ambry Genetics
Classification: Uncertain significance. Last evaluated: 2025-02-19. Review status: criteria provided, single submitter. Criteria: Ambry Variant Classification Scheme 2023. Collection method: clinical testing. Allele origin: germline.

NM_170754.4(TNS2):c.3811C>T (p.Arg1271Cys)

Gene: TNS2 (tensin 2; plus strand). Cytogenetic location: 12q13.13.
Variant type: single nucleotide variant.
Coding change: c.3811C>T on transcript NM_170754.4 (MANE Select); coding-DNA position 3811, C replaced by T.
Protein change: p.Arg1271Cys; replaces arginine 1271 with cysteine.
Molecular consequence: missense variant.
Genome position (GRCh38, 1-based): chr12:53,062,685, C>T. VCF-style: chr12-53062685-C-T. GRCh37 (hg19) VCF-style: chr12-53456469-C-T.
Other names: c.3811C>T, p.Arg1271Cys (NM_001416202.1); c.3769C>T, p.Arg1257Cys (NM_001416203.1); c.3838C>T, p.Arg1280Cys (NM_001416204.1); c.3742C>T, p.Arg1248Cys (NM_015319.3); c.3439C>T, p.Arg1147Cys (NM_198316.2); short protein forms R1257C, R1271C, R1147C, R1248C, R1280C.
Identifiers: ClinVar variation 3809250 (VCV003809250.2).